The following is an entry in ClinVar:

NM_000419.5(ITGA2B):c.902T>C (p.Leu301Ser)

Gene: ITGA2B (integrin subunit alpha 2b; minus strand). Cytogenetic location: 17q21.31.
Variant type: single nucleotide variant.
Coding change: c.902T>C on transcript NM_000419.5 (MANE Select); coding-DNA position 902, T replaced by C.
Protein change: p.Leu301Ser; replaces leucine 301 with serine.
Molecular consequence: missense variant.
Genome position (GRCh38, 1-based): chr17:44,384,128, A>G on the plus strand (T>C on the coding strand, the complement: ITGA2B is on the minus strand). VCF-style: chr17-44384128-A-G. GRCh37 (hg19) VCF-style: chr17-42461496-A-G.
Other names: short protein forms L301S.
Identifiers: ClinVar variation 2834033 (VCV002834033.3), dbSNP rs2510082831, ClinGen allele CA399804908.

ClinVar aggregate classification (germline): Uncertain significance (1 of 4 stars; one submission).

Conditions:
Glanzmann thrombasthenia. Also called: PLATELET GLYCOPROTEIN IIb-IIIa DEFICIENCY; BLEEDING DISORDER, PLATELET-TYPE, 2; THROMBASTHENIA OF GLANZMANN AND NAEGELI; Thrombasthenia; Glanzmann's thrombasthenia. Identifiers: Orphanet 849, MedGen C0040015, MONDO:0100326.

Submission:

Labcorp Genetics (formerly Invitae), Labcorp
Classification: Uncertain significance for Glanzmann thrombasthenia. Last evaluated: 2023-06-14. Review status: criteria provided, single submitter. Criteria: Invitae Variant Classification Sherloc (09022015). Collection method: clinical testing. Allele origin: germline.
Comment: In summary, the available evidence is currently insufficient to determine the role of this variant in disease. Therefore, it has been classified as a Variant of Uncertain Significance. Advanced modeling of protein sequence and biophysical properties (such as structural, functional, and spatial information, amino acid conservation, physicochemical variation, residue mobility, and thermodynamic stability) performed at Invitae indicates that this missense variant is not expected to disrupt ITGA2B protein function. This variant has not been reported in the literature in individuals affected with ITGA2B-related conditions. This variant is not present in population databases (gnomAD no frequency). This sequence change replaces leucine, which is neutral and non-polar, with serine, which is neutral and polar, at codon 301 of the ITGA2B protein (p.Leu301Ser).